The following is an entry in ClinVar:

NM_006231.4(POLE):c.5713A>C (p.Ile1905Leu)

Gene: POLE (DNA polymerase epsilon, catalytic subunit; minus strand). Cytogenetic location: 12q24.33.
Variant type: single nucleotide variant.
Coding change: c.5713A>C on transcript NM_006231.4 (MANE Select); coding-DNA position 5713, A replaced by C.
Protein change: p.Ile1905Leu; replaces isoleucine 1905 with leucine.
Molecular consequence: missense variant.
Genome position (GRCh38, 1-based): chr12:132,635,990, T>G on the plus strand (A>C on the coding strand, the complement: POLE is on the minus strand). VCF-style: chr12-132635990-T-G. GRCh37 (hg19) VCF-style: chr12-133212576-T-G.
Other names: short protein forms I1905L.
Identifiers: ClinVar variation 4141168 (VCV004141168.1).

ClinVar aggregate classification (germline): Uncertain significance (1 of 4 stars; one submission).

Conditions:
Hereditary cancer-predisposing syndrome. Also called: Hereditary neoplastic syndrome; Neoplastic Syndromes, Hereditary; Tumor predisposition; Hereditary Cancer Syndrome. Identifiers: Orphanet 140162, MedGen C0027672, MeSH D009386, MONDO:0015356.

Submission:

Ambry Genetics
Classification: Uncertain significance for Hereditary cancer-predisposing syndrome. Last evaluated: 2025-07-19. Review status: criteria provided, single submitter. Criteria: Ambry Variant Classification Scheme 2023. Collection method: clinical testing. Allele origin: germline.
Comment: The p.I1905L variant (also known as c.5713A>C), located in coding exon 42 of the POLE gene, results from an A to C substitution at nucleotide position 5713. The isoleucine at codon 1905 is replaced by leucine, an amino acid with highly similar properties. This amino acid position is conserved. In addition, this alteration is predicted to be tolerated by in silico analysis. Based on the available evidence, the clinical significance of this variant remains unclear.